The following is an entry in ClinVar:

ClinVar aggregate classification (germline): Uncertain significance. Review status: criteria provided, multiple submitters, no conflicts (2 of 4 stars). 2 submissions from 2 submitters: Uncertain significance (2). Last evaluated 2024-03-28.

Conditions:
Inborn genetic diseases. Identifiers: MedGen C0950123, MeSH D030342.

Allele frequency attached by ClinVar (database versions not stated): gnomAD 0.00001; TOPMed 0.00002.
gnomAD v4.1: 12 of 1,563,788 alleles (0.00077%); highest among the groups gnomAD compares: Middle Eastern, 0.067%; no homozygotes.

Submissions (2):

Ambry Genetics
Classification: Uncertain significance for Inborn genetic diseases. Last evaluated: 2024-03-28. Review status: criteria provided, single submitter. Criteria: Ambry Variant Classification Scheme 2023. Collection method: clinical testing. Allele origin: germline.

Labcorp Genetics (formerly Invitae), Labcorp
Classification: Uncertain significance. Last evaluated: 2022-09-27. Review status: criteria provided, single submitter. Criteria: Invitae Variant Classification Sherloc (09022015). Collection method: clinical testing. Allele origin: germline.
Comment: Algorithms developed to predict the effect of missense changes on protein structure and function output the following: SIFT: "Tolerated"; PolyPhen-2: "Not Available"; Align-GVGD: "Class C0". The valine amino acid residue is found in multiple mammalian species, which suggests that this missense change does not adversely affect protein function. This sequence change replaces alanine, which is neutral and non-polar, with valine, which is neutral and non-polar, at codon 6 of the TUFM protein (p.Ala6Val). The frequency data for this variant in the population databases is considered unreliable, as metrics indicate poor data quality at this position in the gnomAD database. This variant has not been reported in the literature in individuals affected with TUFM-related conditions. In summary, the available evidence is currently insufficient to determine the role of this variant in disease. Therefore, it has been classified as a Variant of Uncertain Significance.

NM_003321.5(TUFM):c.17C>T (p.Ala6Val)

Genes: TUFM (Tu translation elongation factor, mitochondrial; minus strand), LOC130058735 (ATAC-STARR-seq lymphoblastoid active region 10645; plus strand). Cytogenetic location: 16p11.2.
Variant type: single nucleotide variant.
Coding change: c.17C>T on transcript NM_003321.5 (MANE Select); coding-DNA position 17, C replaced by T.
Protein change: p.Ala6Val; replaces alanine 6 with valine.
Molecular consequence: missense variant.
Genome position (GRCh38, 1-based): chr16:28,846,253, G>A on the plus strand (C>T on the coding strand, the complement: TUFM is on the minus strand). VCF-style: chr16-28846253-G-A. GRCh37 (hg19) VCF-style: chr16-28857574-G-A.
Other names: c.17C>T (NM_003321.4); c.17C>T, p.Ala6Val (NM_001365360.2); short protein forms A6V.
Identifiers: ClinVar variation 2197670 (VCV002197670.5), dbSNP rs1389713655, ClinGen allele CA395419367.